The following is an entry in ClinVar:

ClinVar aggregate classification (germline): Likely pathogenic (1 of 4 stars; one submission).

Conditions:
Hiatt-Neu-Cooper neurodevelopmental syndrome. Identifiers: MedGen C5543338, MONDO:0859142, OMIM 619311.

Submission:

3billion
Classification: Likely pathogenic for Hiatt-Neu-Cooper neurodevelopmental syndrome. Last evaluated: 2025-07-28. Review status: criteria provided, single submitter. Criteria: ACMG Guidelines, 2015. Collection method: clinical testing. Allele origin: germline. Affected: yes.
Comment: The variant is not observed in the gnomAD v4.1.0 dataset. Predicted Consequence/Location: Missense variant. Missense changes are a common disease-causing mechanism. In silico tool predictions suggest damaging effect of the variant on gene or gene product [REVEL: 0.91 (>=0.6, sensitivity 0.68 and specificity 0.92); 3Cnet: 0.77 (> 0.75, sensitivity 0.96 and precision 0.92)]. The different nucleotide change resulting in the same amino acid change has been previously reported to be associated with RALA-related disorder(ClinVar ID: VCV000872219). A different missense change at the same codon (p.Asp130Gly) has been reported to be associated with RALA-related disorder (ClinVar ID: VCV001068753 /PMID: 30500825). Therefore, this variant is classified as Likely pathogenic according to the recommendation of ACMG/AMP guideline.

Literature cited by the submitters: PubMed 30500825.

NM_005402.4(RALA):c.390T>G (p.Asp130Glu)

Gene: RALA (RAS like proto-oncogene A; plus strand). Cytogenetic location: 7p14.1.
Variant type: single nucleotide variant.
Coding change: c.390T>G on transcript NM_005402.4 (MANE Select); coding-DNA position 390, T replaced by G.
Protein change: p.Asp130Glu; replaces aspartic acid 130 with glutamic acid.
Molecular consequence: missense variant.
Genome position (GRCh38, 1-based): chr7:39,696,751, T>G. VCF-style: chr7-39696751-T-G. GRCh37 (hg19) VCF-style: chr7-39736350-T-G.
Other names: short protein forms D130E.
Identifiers: ClinVar variation 4856006 (VCV004856006.1).